The following is an entry in ClinVar:

ClinVar aggregate classification (germline): Uncertain significance. Review status: criteria provided, multiple submitters, no conflicts (2 of 4 stars). 2 submissions from 2 submitters: Uncertain significance (2). Last evaluated 2024-10-11.

Conditions:
Dilated cardiomyopathy 1O (CMD1O). Also called: CARDIOMYOPATHY, DILATED, WITH VENTRICULAR TACHYCARDIA. Identifiers: Orphanet 154, MedGen C1837839, MONDO:0012062, OMIM 608569.

Submissions (2):

Victorian Clinical Genetics Services, Murdoch Childrens Research Institute
Classification: Uncertain significance for Dilated cardiomyopathy 1O. Last evaluated: 2024-10-11. Review status: criteria provided, single submitter. Criteria: ACMG Guidelines, 2015. Collection method: clinical testing. Allele origin: germline. Inheritance: Autosomal dominant inheritance. Affected: yes.
Comment: Based on the classification scheme VCGS_Germline_v1.3.5, this variant is classified as VUS-3C. Following criteria are met: 0103 - Loss of function and gain of function are known mechanisms of disease in this gene. Loss of function variants have been reported to cause dilated cardiomyopathy, 1O (MIM#608569) and intellectual disability and myopathy syndrome (MIM#619719), while gain of function variants have been reported to cause hypertrichotic osteochondrodysplasia (Cantu syndrome) (MIM#239850). (I) 0108 - This gene is associated with both recessive and dominant disease. Cardiomyopathy, dilated, 1O (MIM#608569) and hypertrichotic osteochondrodysplasia (Cantu syndrome) (MIM#239850) have an autosomal dominant inheritance pattern, whereas intellectual disability and myopathy syndrome (MIM#619719) is autosomal recessive. (I) 0212 - Non-canonical splice site variant without proven consequence on splicing (no functional evidence available). (SP) 0251 - This variant is heterozygous. (I) 0301 - Variant is absent from gnomAD (v2, v3 and v4). (SP) 0505 - Abnormal splicing is predicted by in silico tools and affected nucleotide is highly conserved. (SP) 0705 - No comparable splice site variants have previous evidence for pathogenicity. (I) 0809 - Previous evidence of pathogenicity for this variant is inconclusive. VCGS has identified this variant in multiple aboriginal Australian individuals with developmental delays. (I) 0905 - No published segregation evidence has been identified for this variant. (I) 1007 - No published functional evidence has been identified for this variant. (I) 1208 - Inheritance information for this variant is not currently available in this individual. (I) Legend: (SP) - Supporting pathogenic, (I) - Information, (SB) - Supporting benign

Blueprint Genetics
Classification: Uncertain significance. Last evaluated: 2024-10-03. Review status: criteria provided, single submitter. Criteria: ACMG Guidelines, 2015. Collection method: clinical testing. Allele origin: germline.

NM_020297.4(ABCC9):c.2198+5G>A

Gene: ABCC9 (ATP binding cassette subfamily C member 9; minus strand). Cytogenetic location: 12p12.1.
Variant type: single nucleotide variant.
Coding change: c.2198+5G>A on transcript NM_020297.4 (MANE Select); 5 bases into the intron after coding-DNA position 2198, G replaced by A.
Molecular consequence: intron variant.
Genome position (GRCh38, 1-based): chr12:21,872,620, C>T on the plus strand (G>A on the coding strand, the complement: ABCC9 is on the minus strand). VCF-style: chr12-21872620-C-T. GRCh37 (hg19) VCF-style: chr12-22025554-C-T.
Other names: c.1334+5G>A (NM_001377274.1); c.2198+5G>A (NM_005691.4, NM_001377273.1).
Identifiers: ClinVar variation 3376708 (VCV003376708.2).